The following is an entry in ClinVar:

NM_022051.3(EGLN1):c.221A>G (p.His74Arg)

Gene: EGLN1 (egl-9 family hypoxia inducible factor 1; minus strand). Cytogenetic location: 1q42.2.
Variant type: single nucleotide variant.
Coding change: c.221A>G on transcript NM_022051.3 (MANE Select); coding-DNA position 221, A replaced by G.
Protein change: p.His74Arg; replaces histidine 74 with arginine.
Molecular consequence: missense variant.
Genome position (GRCh38, 1-based): chr1:231,421,668, T>C on the plus strand (A>G on the coding strand, the complement: EGLN1 is on the minus strand). VCF-style: chr1-231421668-T-C. GRCh37 (hg19) VCF-style: chr1-231557414-T-C.
Other names: c.221A>G, p.His74Arg (NM_001377260.1, NM_001377261.1); short protein forms H74R.
Identifiers: ClinVar variation 2565129 (VCV002565129.2), dbSNP rs1347788984, ClinGen allele CA345238493.

ClinVar aggregate classification (germline): Uncertain significance (1 of 4 stars; one submission).

Allele frequency attached by ClinVar (database versions not stated): TOPMed 0.00001.
gnomAD v4.1: 1 of 1,472,888 alleles (0.000068%); highest among the groups gnomAD compares: Non-Finnish European, 0.00009%; no homozygotes.

Submission:

Ambry Genetics
Classification: Uncertain significance. Last evaluated: 2023-04-19. Review status: criteria provided, single submitter. Criteria: Ambry Variant Classification Scheme 2023. Collection method: clinical testing. Allele origin: germline.
Comment: The p.H74R variant (also known as c.221A>G), located in coding exon 1 of the EGLN1 gene, results from an A to G substitution at nucleotide position 221. The histidine at codon 74 is replaced by arginine, an amino acid with highly similar properties. This amino acid position is conserved. In addition, this alteration is predicted to be tolerated by in silico analysis. Since supporting evidence is limited at this time, the clinical significance of this alteration remains unclear.